The following is an entry in ClinVar:

NM_004070.4(CLCNKA):c.1977A>G (p.Thr659=)

Genes: CLCNKA (chloride voltage-gated channel Ka; plus strand), LOC106501712 (CLCNKA recombination region; plus strand). Cytogenetic location: 1p36.13.
Variant type: single nucleotide variant.
Coding change: c.1977A>G on transcript NM_004070.4 (MANE Select); coding-DNA position 1977, A replaced by G.
Protein change: p.Thr659=; no amino-acid change (threonine 659 retained).
Molecular consequence: synonymous variant.
Genome position (GRCh38, 1-based): chr1:16,033,217, A>G. VCF-style: chr1-16033217-A-G. GRCh37 (hg19) VCF-style: chr1-16359712-A-G.
Other names: c.1974A>G, p.Thr658= (NM_001042704.2); c.1848A>G, p.Thr616= (NM_001257139.2).
Identifiers: ClinVar variation 64461 (VCV000064461.2), dbSNP rs387907408, ClinGen allele CA216193.

ClinVar aggregate classification (germline): Uncertain significance (0 of 4 stars; one submission).

Allele frequency attached by ClinVar (database versions not stated): gnomAD exomes 0.00007; ExAC 0.00004.

Submission:

Martin Pollak Laboratory,  Beth Israel Deaconess Medical Center
Classification: Uncertain significance. Review status: no assertion criteria provided. Collection method: not provided. Allele origin: unknown.
Comment: Lower UCa2+ group
ClinVar note: Converted during submission from unknown to Uncertain significance.